The following is an entry in ClinVar:

NM_022041.4(GAN):c.289C>G (p.Leu97Val)

Gene: GAN (gigaxonin; plus strand). Cytogenetic location: 16q23.2.
Variant type: single nucleotide variant.
Coding change: c.289C>G on transcript NM_022041.4 (MANE Select); coding-DNA position 289, C replaced by G.
Protein change: p.Leu97Val; replaces leucine 97 with valine.
Molecular consequence: missense variant. On other transcripts: 5 prime UTR variant (1).
Genome position (GRCh38, 1-based): chr16:81,354,411, C>G. VCF-style: chr16-81354411-C-G. GRCh37 (hg19) VCF-style: chr16-81388016-C-G.
Other names: c.-351C>G (NM_001377486.1); short protein forms L97V.
Identifiers: ClinVar variation 2192668 (VCV002192668.4), dbSNP rs1340851782, ClinGen allele CA396867145.
Genomic context (GRCh38, chr16:81,354,411, plus strand): 5'-TTTGGGTTTTAAATGTACACATTCAAATATAAGATAATTATGCTACTTTTTTAGATCAGG[C>G]TAAATGAAGATACAATCCAAGATGTTGTTCAGGCAGCTGACCTGCTGCTACTGACGGACC-3'
Protein context (NP_071324.1, residues 87-107): LDYIFSGQIR[Leu97Val]NEDTIQDVVQ

ClinVar aggregate classification (germline): Uncertain significance (1 of 4 stars; one submission).

Conditions:
Giant axonal neuropathy 1 (GAN1). Also called: GIANT AXONAL NEUROPATHY 1, AUTOSOMAL RECESSIVE; GAN-Related Neurodegeneration. Identifiers: Orphanet 643, MedGen C1850386, MONDO:0009749, OMIM 256850.

gnomAD v4.1: 11 of 1,602,684 alleles (0.00069%); highest among the groups gnomAD compares: Non-Finnish European, 0.00094%; no homozygotes.

Submission:

Labcorp Genetics (formerly Invitae), Labcorp
Classification: Uncertain significance for Giant axonal neuropathy 1. Last evaluated: 2022-05-25. Review status: criteria provided, single submitter. Criteria: Invitae Variant Classification Sherloc (09022015). Collection method: clinical testing. Allele origin: germline.
Comment: In summary, the available evidence is currently insufficient to determine the role of this variant in disease. Therefore, it has been classified as a Variant of Uncertain Significance. Algorithms developed to predict the effect of sequence changes on RNA splicing suggest that this variant may disrupt the consensus splice site. Algorithms developed to predict the effect of missense changes on protein structure and function are either unavailable or do not agree on the potential impact of this missense change (SIFT: "Deleterious"; PolyPhen-2: "Benign"; Align-GVGD: "Class C25"). This variant has not been reported in the literature in individuals affected with GAN-related conditions. This variant is not present in population databases (gnomAD no frequency). This sequence change replaces leucine, which is neutral and non-polar, with valine, which is neutral and non-polar, at codon 97 of the GAN protein (p.Leu97Val).